The following is an entry in ClinVar:

NM_001142966.3(GREB1L):c.3920G>A (p.Gly1307Asp)

Gene: GREB1L (GREB1 like retinoic acid receptor coactivator; plus strand). Cytogenetic location: 18q11.2.
Variant type: single nucleotide variant.
Coding change: c.3920G>A on transcript NM_001142966.3 (MANE Select); coding-DNA position 3920, G replaced by A.
Protein change: p.Gly1307Asp; replaces glycine 1307 with aspartic acid.
Molecular consequence: missense variant.
Genome position (GRCh38, 1-based): chr18:21,500,257, G>A. VCF-style: chr18-21500257-G-A. GRCh37 (hg19) VCF-style: chr18-19080218-G-A.
Other names: c.4049G>A, p.Gly1350Asp (NM_001410867.1); c.3593G>A, p.Gly1198Asp (NM_001410868.1); short protein forms G1350D, G1307D, G1198D.
Identifiers: ClinVar variation 2048566 (VCV002048566.4), dbSNP rs749402458, ClinGen allele CA8906618.

ClinVar aggregate classification (germline): Uncertain significance (1 of 4 stars; one submission).

Allele frequency attached by ClinVar (database versions not stated): gnomAD 0.00011; TOPMed 0.00011; ExAC 0.00021.
gnomAD v4.1: 302 of 1,498,622 alleles (0.02%); highest among the groups gnomAD compares: Non-Finnish European, 0.025%; no homozygotes.

Submission:

Labcorp Genetics (formerly Invitae), Labcorp
Classification: Uncertain significance. Last evaluated: 2022-07-22. Review status: criteria provided, single submitter. Criteria: Invitae Variant Classification Sherloc (09022015). Collection method: clinical testing. Allele origin: germline.
Comment: In summary, the available evidence is currently insufficient to determine the role of this variant in disease. Therefore, it has been classified as a Variant of Uncertain Significance. Algorithms developed to predict the effect of missense changes on protein structure and function are either unavailable or do not agree on the potential impact of this missense change (SIFT: "Not Available"; PolyPhen-2: "Benign"; Align-GVGD: "Not Available"). This variant has not been reported in the literature in individuals affected with GREB1L-related conditions. This variant is present in population databases (rs749402458, gnomAD 0.03%). This sequence change replaces glycine, which is neutral and non-polar, with aspartic acid, which is acidic and polar, at codon 1307 of the GREB1L protein (p.Gly1307Asp).